The following is an entry in ClinVar:

ClinVar aggregate classification (germline): Uncertain significance (1 of 4 stars; one submission).

Submission:

GeneDx
Classification: Uncertain significance. Last evaluated: 2025-05-19. Review status: criteria provided, single submitter. Criteria: GeneDx Variant Classification Process June 2021. Collection method: clinical testing. Allele origin: germline. Affected: yes.
Comment: Not observed at significant frequency in large population cohorts (gnomAD); In silico analysis suggests that this missense variant does not alter protein structure/function; Has not been previously published as pathogenic or benign to our knowledge

NM_001080517.3(SETD5):c.1529G>A (p.Arg510Lys)

Gene: SETD5 (SET domain containing 5; plus strand). Cytogenetic location: 3p25.3.
Variant type: single nucleotide variant.
Coding change: c.1529G>A on transcript NM_001080517.3 (MANE Select); coding-DNA position 1529, G replaced by A.
Protein change: p.Arg510Lys; replaces arginine 510 with lysine.
Molecular consequence: missense variant.
Genome position (GRCh38, 1-based): chr3:9,447,054, G>A. VCF-style: chr3-9447054-G-A. GRCh37 (hg19) VCF-style: chr3-9488738-G-A.
Other names: c.1235G>A, p.Arg412Lys (NM_001292043.2, NM_001349451.2); c.1625G>A, p.Arg542Lys (NM_001437633.1); c.1586G>A, p.Arg529Lys (NM_001437635.1); c.1529G>A, p.Arg510Lys (NM_001437643.1); c.1568G>A, p.Arg523Lys (NM_001437701.1); short protein forms R412K, R510K, R523K, R529K, R542K.
Identifiers: ClinVar variation 4530960 (VCV004530960.1).
Genomic context (GRCh38, chr3:9,447,054, plus strand): 5'-CTATCCACTCGTCCTCATTTGAAGCTTCCTTCTACACCAGTACTATCTCTTTCTAGACCA[G>A]GGAAGATAGAAAGGTAGAAGCCATCATGCATGCTTTTGAAAACTTAGAGAAAAGAAAGAA-3'
Protein context (NP_001073986.1, residues 500-520): QENLAHSRRT[Arg510Lys]EDRKVEAIMH